The following is an entry in ClinVar:

NM_206933.4(USH2A):c.8324T>C (p.Val2775Ala)

Gene: USH2A (usherin; minus strand). Cytogenetic location: 1q41.
Variant type: single nucleotide variant.
Coding change: c.8324T>C on transcript NM_206933.4 (MANE Select); coding-DNA position 8324, T replaced by C.
Protein change: p.Val2775Ala; replaces valine 2775 with alanine.
Molecular consequence: missense variant.
Genome position (GRCh38, 1-based): chr1:215,878,998, A>G on the plus strand (T>C on the coding strand, the complement: USH2A is on the minus strand). VCF-style: chr1-215878998-A-G. GRCh37 (hg19) VCF-style: chr1-216052340-A-G.
Other names: short protein forms V2775A.
Identifiers: ClinVar variation 1014685 (VCV001014685.7), dbSNP rs767155952, ClinGen allele CA37433942.

ClinVar aggregate classification (germline): Uncertain significance (1 of 4 stars; one submission).

Allele frequency attached by ClinVar (database versions not stated): gnomAD 0.00001; TOPMed 0.00001.
gnomAD v4.1: 4 of 1,613,926 alleles (0.00025%); highest among the groups gnomAD compares: African/African-American, 0.0053%; no homozygotes.

Submission:

Labcorp Genetics (formerly Invitae), Labcorp
Classification: Uncertain significance. Last evaluated: 2022-02-03. Review status: criteria provided, single submitter. Criteria: Invitae Variant Classification Sherloc (09022015). Collection method: clinical testing. Allele origin: germline.
Comment: This sequence change replaces valine, which is neutral and non-polar, with alanine, which is neutral and non-polar, at codon 2775 of the USH2A protein (p.Val2775Ala). This variant is present in population databases (rs767155952, gnomAD 0.02%). This variant has not been reported in the literature in individuals affected with USH2A-related conditions. ClinVar contains an entry for this variant (Variation ID: 1014685). Algorithms developed to predict the effect of missense changes on protein structure and function output the following: SIFT: "Tolerated"; PolyPhen-2: "Benign"; Align-GVGD: "Class C0". The alanine amino acid residue is found in multiple mammalian species, which suggests that this missense change does not adversely affect protein function. In summary, the available evidence is currently insufficient to determine the role of this variant in disease. Therefore, it has been classified as a Variant of Uncertain Significance.